The following is an entry in ClinVar:

ClinVar aggregate classification (germline): Benign/Likely benign. Review status: criteria provided, multiple submitters, no conflicts (2 of 4 stars). 3 submissions from 3 submitters: Benign (1); Likely benign (2). Last evaluated 2026-07-14.

Conditions:
Rhabdoid tumor predisposition syndrome 2 (RTPS2). Identifiers: Orphanet 231108, Orphanet 69077, MedGen C2750074, MONDO:0013224, OMIM 613325.
Hereditary cancer-predisposing syndrome. Also called: Neoplastic Syndromes, Hereditary; Tumor predisposition; Hereditary Cancer Syndrome; Hereditary neoplastic syndrome. Identifiers: Orphanet 140162, MedGen C0027672, MeSH D009386, MONDO:0015356.

Allele frequency attached by ClinVar (database versions not stated): ExAC 0.00001; gnomAD exomes 0.00001; gnomAD 0.00001.
gnomAD v4.1: 6 of 1,608,232 alleles (0.00037%); no homozygotes.

Submissions (3):

Myriad Genetics, Inc.
Classification: Benign for Rhabdoid tumor predisposition syndrome 2. Last evaluated: 2026-07-14. Review status: criteria provided, single submitter. Criteria: Myriad Autosomal Dominant, Autosomal Recessive and X-Linked Classification Criteria (2023). Collection method: clinical testing. Allele origin: unknown.
Comment: This variant is considered benign. This variant is a silent/synonymous amino acid change and it is not expected to impact splicing.

Labcorp Genetics (formerly Invitae), Labcorp
Classification: Likely benign for Rhabdoid tumor predisposition syndrome 2. Last evaluated: 2025-01-21. Review status: criteria provided, single submitter. Criteria: Invitae Variant Classification Sherloc (09022015). Collection method: clinical testing. Allele origin: germline.

Ambry Genetics
Classification: Likely benign for Hereditary cancer-predisposing syndrome. Last evaluated: 2024-01-20. Review status: criteria provided, single submitter. Criteria: Ambry Variant Classification Scheme 2023. Collection method: clinical testing. Allele origin: germline.

NM_003072.5(SMARCA4):c.3477G>T (p.Gly1159=)

Gene: SMARCA4 (SWI/SNF related BAF chromatin remodeling complex subunit ATPase 4; plus strand). Cytogenetic location: 19p13.2.
Variant type: single nucleotide variant.
Coding change: c.3477G>T on transcript NM_003072.5 (MANE Select); coding-DNA position 3477, G replaced by T.
Protein change: p.Gly1159=; no amino-acid change (glycine 1159 retained).
Molecular consequence: synonymous variant. On other transcripts: non-coding transcript variant (1).
Genome position (GRCh38, 1-based): chr19:11,030,824, G>T. VCF-style: chr19-11030824-G-T. GRCh37 (hg19) VCF-style: chr19-11141500-G-T.
Other names: c.3477G>T (NM_001128849.1); c.3477G>T, p.Gly1159= (NM_001128844.3, NM_001128845.2, NM_001128846.2 and 6 more transcripts).
Identifiers: ClinVar variation 2998360 (VCV002998360.5), dbSNP rs745646570, ClinGen allele CA9204430.
Genomic context (GRCh38, chr19:11,030,824, plus strand): 5'-GAAAACCTTCAACGAGCCCGGCTCTGAGTACTTCATCTTCCTGCTCAGCACCCGGGCTGG[G>T]GGGCTCGGCCTGAACCTCCAGTCGGCAGACACTGTGATCATTTTTGACAGCGACTGGAAT-3'
Protein context (NP_003063.2, residues 1149-1169): YFIFLLSTRA[Gly1159=]GLGLNLQSAD